The following is an entry in ClinVar:

ClinVar aggregate classification (germline): Uncertain significance (1 of 4 stars; one submission).

Submission:

Labcorp Genetics (formerly Invitae), Labcorp
Classification: Uncertain significance. Last evaluated: 2025-12-13. Review status: criteria provided, single submitter. Criteria: Invitae Variant Classification Sherloc (09022015). Collection method: clinical testing. Allele origin: germline.
Comment: This sequence change replaces isoleucine, which is neutral and non-polar, with leucine, which is neutral and non-polar, at codon 512 of the TNNI3K protein (p.Ile512Leu). This variant is not present in population databases (gnomAD no frequency). This variant has not been reported in the literature in individuals affected with TNNI3K-related conditions. Invitae Evidence Modeling of protein sequence and biophysical properties (such as structural, functional, and spatial information, amino acid conservation, physicochemical variation, residue mobility, and thermodynamic stability) indicates that this missense variant is not expected to disrupt TNNI3K protein function with a negative predictive value of 80%. In summary, the available evidence is currently insufficient to determine the role of this variant in disease. Therefore, it has been classified as a Variant of Uncertain Significance.

NM_015978.3(TNNI3K):c.1534A>C (p.Ile512Leu)

Genes: FPGT-TNNI3K (FPGT-TNNI3K readthrough; plus strand), TNNI3K (TNNI3 interacting kinase; plus strand). Cytogenetic location: 1p31.1.
Variant type: single nucleotide variant.
Coding change: c.1534A>C on transcript NM_015978.3 (MANE Select); coding-DNA position 1534, A replaced by C.
Protein change: p.Ile512Leu; replaces isoleucine 512 with leucine.
Molecular consequence: missense variant.
Genome position (GRCh38, 1-based): chr1:74,369,452, A>C. VCF-style: chr1-74369452-A-C. GRCh37 (hg19) VCF-style: chr1-74835136-A-C.
Other names: c.1837A>C, p.Ile613Leu (NM_001112808.3, NM_001199327.2); short protein forms I613L, I512L.
Identifiers: ClinVar variation 4741153 (VCV004741153.1).
Genomic context (GRCh38, chr1:74,369,452, plus strand): 5'-TATCGAGCCAATACCTACTGCTCCAAGTCAGATGTGGATATGTTTTGCCGAGAGGTGTCC[A>C]TTCTCTGCCAGCTCAATCATCCCTGCGTAATTCAGTTTGTGGGTGCTTGCTTGAATGATC-3'
Protein context (NP_057062.1, residues 502-522): DVDMFCREVS[Ile512Leu]LCQLNHPCVI